The following is an entry in ClinVar:

NM_020928.2(ZSWIM6):c.2698C>A (p.Leu900Met)

Gene: ZSWIM6 (zinc finger SWIM-type containing 6; plus strand). Cytogenetic location: 5q12.1.
Variant type: single nucleotide variant.
Coding change: c.2698C>A on transcript NM_020928.2 (MANE Select); coding-DNA position 2698, C replaced by A.
Protein change: p.Leu900Met; replaces leucine 900 with methionine.
Molecular consequence: missense variant.
Genome position (GRCh38, 1-based): chr5:61,539,754, C>A. VCF-style: chr5-61539754-C-A. GRCh37 (hg19) VCF-style: chr5-60835581-C-A.
Other names: short protein forms L900M.
Identifiers: ClinVar variation 4738924 (VCV004738924.1).

ClinVar aggregate classification (germline): Uncertain significance (1 of 4 stars; one submission).

Submission:

Labcorp Genetics (formerly Invitae), Labcorp
Classification: Uncertain significance. Last evaluated: 2025-06-11. Review status: criteria provided, single submitter. Criteria: Invitae Variant Classification Sherloc (09022015). Collection method: clinical testing. Allele origin: germline.
Comment: This sequence change replaces leucine, which is neutral and non-polar, with methionine, which is neutral and non-polar, at codon 900 of the ZSWIM6 protein (p.Leu900Met). This variant is not present in population databases (gnomAD no frequency). This variant has not been reported in the literature in individuals affected with ZSWIM6-related conditions. Invitae Evidence Modeling of protein sequence and biophysical properties (such as structural, functional, and spatial information, amino acid conservation, physicochemical variation, residue mobility, and thermodynamic stability) indicates that this missense variant is not expected to disrupt ZSWIM6 protein function with a negative predictive value of 80%. In summary, the available evidence is currently insufficient to determine the role of this variant in disease. Therefore, it has been classified as a Variant of Uncertain Significance.